The following is an entry in ClinVar:

ClinVar aggregate classification (germline): Likely benign. Review status: criteria provided, multiple submitters, no conflicts (2 of 4 stars). 2 submissions from 2 submitters: Likely benign (2). Last evaluated 2025-11-27.

Conditions:
Polyhydramnios, megalencephaly, and symptomatic epilepsy (PMSE). Also called: PMSE SYNDROME. Identifiers: Orphanet 500533, MedGen C1970203, MONDO:0012611, OMIM 611087.
STRADA-related disorder. Also called: STRADA-related condition.

Allele frequency attached by ClinVar (database versions not stated): gnomAD 0.00001; ExAC 0.00002; gnomAD exomes 0.00002; TOPMed 0.00003.
gnomAD v4.1: 16 of 1,613,858 alleles (0.00099%); highest among the groups gnomAD compares: East Asian, 0.0045%; no homozygotes.

Submissions (2):

Labcorp Genetics (formerly Invitae), Labcorp
Classification: Likely benign for Polyhydramnios, megalencephaly, and symptomatic epilepsy. Last evaluated: 2025-11-27. Review status: criteria provided, single submitter. Criteria: Invitae Variant Classification Sherloc (09022015). Collection method: clinical testing. Allele origin: germline.

PreventionGenetics, part of Exact Sciences
Classification: Likely benign for STRADA-related condition. Last evaluated: 2025-02-13. Review status: criteria provided, single submitter. Criteria: ACMG Guidelines, 2015. Collection method: clinical testing. Allele origin: germline.
Comment: This variant is classified as likely benign based on ACMG/AMP sequence variant interpretation guidelines (Richards et al. 2015 PMID: 25741868, with internal and published modifications).

NM_001003787.4(STRADA):c.513G>A (p.Ala171=)

Genes: STRADA (STE20 related adaptor alpha; minus strand), LOC125312417 (Sharpr-MPRA regulatory region 9817; plus strand). Cytogenetic location: 17q23.3.
Variant type: single nucleotide variant.
Coding change: c.513G>A on transcript NM_001003787.4 (MANE Select); coding-DNA position 513, G replaced by A.
Protein change: p.Ala171=; no amino-acid change (alanine 171 retained).
Molecular consequence: synonymous variant. On other transcripts: non-coding transcript variant (1).
Genome position (GRCh38, 1-based): chr17:63,710,559, C>T on the plus strand (G>A on the coding strand, the complement: STRADA is on the minus strand). VCF-style: chr17-63710559-C-T. GRCh37 (hg19) VCF-style: chr17-61787919-C-T.
Other names: c.402G>A, p.Ala134= (NM_001003786.3, NM_001363789.1, NM_153335.6); c.339G>A, p.Ala113= (NM_001003788.3, NM_001363790.1, NM_001363791.1); c.426G>A, p.Ala142= (NM_001165969.2, NM_001363787.1); c.381G>A, p.Ala127= (NM_001165970.2); c.489G>A, p.Ala163= (NM_001363786.1); c.513G>A, p.Ala171= (NM_001363788.1).
Identifiers: ClinVar variation 751740 (VCV000751740.12), dbSNP rs779411398, ClinGen allele CA8703370.
Genomic context (GRCh38, chr17:63,710,559, plus strand): 5'-ATATCCCATGTGGTGGATGTAGTCGAGGGCCTTCAGCACCCCCTGCAGGATGTAAGCAAT[C>T]GCCAGCTCATTCATGCCATCCATGAAGTGTGTACAGATGAGATCTTTTGCAGAACCTGCA-3'
Protein context (NP_001003787.1, residues 161-181): THFMDGMNEL[Ala171=]IAYILQGVLK